The following is an entry in ClinVar:

NM_000400.4(ERCC2):c.940G>T (p.Val314Leu)

Gene: ERCC2 (ERCC excision repair 2, TFIIH core complex helicase subunit; minus strand). Cytogenetic location: 19q13.32.
Variant type: single nucleotide variant.
Coding change: c.940G>T on transcript NM_000400.4 (MANE Select); coding-DNA position 940, G replaced by T.
Protein change: p.Val314Leu; replaces valine 314 with leucine.
Molecular consequence: missense variant.
Genome position (GRCh38, 1-based): chr19:45,363,995, C>A on the plus strand (G>T on the coding strand, the complement: ERCC2 is on the minus strand). VCF-style: chr19-45363995-C-A. GRCh37 (hg19) VCF-style: chr19-45867253-C-A.
Other names: c.868G>T, p.Val290Leu (NM_001130867.2); short protein forms V290L, V314L.
Identifiers: ClinVar variation 1766885 (VCV001766885.2), dbSNP rs1207164839, ClinGen allele CA406373283.

ClinVar aggregate classification (germline): Uncertain significance (1 of 4 stars; one submission).

Conditions:
Inborn genetic diseases. Identifiers: MedGen C0950123, MeSH D030342.

Submission:

Ambry Genetics
Classification: Uncertain significance for Inborn genetic diseases. Last evaluated: 2021-12-22. Review status: criteria provided, single submitter. Criteria: Ambry Variant Classification Scheme 2023. Collection method: clinical testing. Allele origin: germline.
Comment: The p.V314L variant (also known as c.940G>T), located in coding exon 10 of the ERCC2 gene, results from a G to T substitution at nucleotide position 940. The valine at codon 314 is replaced by leucine, an amino acid with highly similar properties. This amino acid position is conserved. In addition, this alteration is predicted to be tolerated by in silico analysis. Since supporting evidence is limited at this time, the clinical significance of this alteration remains unclear.